The following is an entry in ClinVar:

NM_003482.4(KMT2D):c.11764C>T (p.Gln3922Ter)

Gene: KMT2D (lysine methyltransferase 2D; minus strand). Cytogenetic location: 12q13.12.
Variant type: single nucleotide variant.
Coding change: c.11764C>T on transcript NM_003482.4 (MANE Select); coding-DNA position 11764, C replaced by T.
Protein change: p.Gln3922Ter; replaces glutamine 3922 with a stop codon.
Molecular consequence: nonsense.
Genome position (GRCh38, 1-based): chr12:49,032,941, G>A on the plus strand (C>T on the coding strand, the complement: KMT2D is on the minus strand). VCF-style: chr12-49032941-G-A. GRCh37 (hg19) VCF-style: chr12-49426724-G-A.
Other names: short protein forms Q3922*.
Identifiers: ClinVar variation 2413099 (VCV002413099.4), dbSNP rs2120436897, ClinGen allele CA384715614.

ClinVar aggregate classification (germline): Pathogenic. Review status: criteria provided, multiple submitters, no conflicts (2 of 4 stars). 2 submissions from 2 submitters: Pathogenic (2). Last evaluated 2022-07-29.

Conditions:
KMT2D-related disorder. Also called: KMT2D-Related Disorders.

Submissions (2):

GeneDx
Classification: Pathogenic. Last evaluated: 2022-07-29. Review status: criteria provided, single submitter. Criteria: GeneDx Variant Classification Process June 2021. Collection method: clinical testing. Allele origin: germline. Affected: yes.
Comment: Nonsense variant predicted to result in protein truncation or nonsense mediated decay in a gene for which loss of function is a known mechanism of disease; Not observed at significant frequency in large population cohorts (gnomAD); This variant is associated with the following publications: (PMID: 25525159, 21671394)

Blueprint Genetics
Classification: Pathogenic for KMT2D-related disorders. Last evaluated: 2022-07-20. Review status: criteria provided, single submitter. Criteria: ACMG Guidelines, 2015. Collection method: clinical testing. Allele origin: germline. Affected: yes. Observed: 1 variant allele.